The following is an entry in ClinVar:

NM_005751.5(AKAP9):c.7190C>G (p.Ala2397Gly)

Gene: AKAP9 (A-kinase anchoring protein 9; plus strand). Cytogenetic location: 7q21.2.
Variant type: single nucleotide variant.
Coding change: c.7190C>G on transcript NM_005751.5 (MANE Select); coding-DNA position 7190, C replaced by G.
Protein change: p.Ala2397Gly; replaces alanine 2397 with glycine.
Molecular consequence: missense variant.
Genome position (GRCh38, 1-based): chr7:92,079,323, C>G. VCF-style: chr7-92079323-C-G. GRCh37 (hg19) VCF-style: chr7-91708637-C-G.
Other names: c.1835C>G, p.Ala612Gly (NM_001379277.1); c.7166C>G, p.Ala2389Gly (NM_147185.3); short protein forms A2389G, A2397G, A612G.
Identifiers: ClinVar variation 1284818 (VCV001284818.16), dbSNP rs372568340, ClinGen allele CA4337247.

ClinVar aggregate classification (germline): Conflicting classifications of pathogenicity. Review status: criteria provided, conflicting classifications (1 of 4 stars). 4 submissions from 4 submitters: Uncertain significance (1); Benign (1). 2 of the submissions do not count toward it. Last evaluated 2025-12-18.

Conditions:
Long QT syndrome (LQTS). Identifiers: MedGen C0023976, MeSH D008133, MONDO:0002442. Disease mechanism: loss of function. Inheritance: Various modes of inheritance.
Cardiovascular phenotype. Identifiers: MedGen CN230736.

Allele frequency attached by ClinVar (database versions not stated): ExAC 0.00002; ESP Exome Variant Server 0.00008.

Submissions (4):

Labcorp Genetics (formerly Invitae), Labcorp
Classification: Uncertain significance for Long QT syndrome. Last evaluated: 2025-12-18. Review status: criteria provided, single submitter. Criteria: Invitae Variant Classification Sherloc (09022015). Collection method: clinical testing. Allele origin: germline.
Comment: This sequence change replaces alanine, which is neutral and non-polar, with glycine, which is neutral and non-polar, at codon 2397 of the AKAP9 protein (p.Ala2397Gly). This variant is present in population databases (rs372568340, gnomAD 0.01%). This variant has not been reported in the literature in individuals affected with AKAP9-related conditions. ClinVar contains an entry for this variant (Variation ID: 1284818). An algorithm developed to predict the effect of missense changes on protein structure and function (PolyPhen-2) suggests that this variant is likely to be tolerated. In summary, the available evidence is currently insufficient to determine the role of this variant in disease. Therefore, it has been classified as a Variant of Uncertain Significance.

Ambry Genetics
Classification: Benign for Cardiovascular phenotype. Last evaluated: 2025-11-19. Review status: criteria provided, single submitter. Criteria: Ambry Variant Classification Scheme 2023. Collection method: clinical testing. Allele origin: germline.

Clinical Genetics, Academic Medical Center
Classification: Likely benign. Review status: no assertion criteria provided. Collection method: clinical testing. Allele origin: germline. Affected: yes. Study: VKGL Data-share Consensus. Not counted in ClinVar's aggregate classification.

Joint Genome Diagnostic Labs from Nijmegen and Maastricht, Radboudumc and MUMC+
Classification: Likely benign. Review status: no assertion criteria provided. Collection method: clinical testing. Allele origin: germline. Affected: yes. Study: VKGL Data-share Consensus. Not counted in ClinVar's aggregate classification.